The following is an entry in ClinVar:

ClinVar aggregate classification (germline): Uncertain significance (1 of 4 stars; one submission).

Allele frequency attached by ClinVar (database versions not stated): gnomAD exomes 0.00001.

Submission:

CeGaT Center for Human Genetics Tuebingen
Classification: Uncertain significance. Last evaluated: 2023-05-01. Review status: criteria provided, single submitter. Criteria: CeGaT Center For Human Genetics Tuebingen Variant Classification Criteria Version 2. Collection method: clinical testing. Allele origin: germline. Affected: yes. Observed: 1 variant allele.
Comment: LEMD2: PM2

NM_181336.4(LEMD2):c.508G>A (p.Ala170Thr)

Gene: LEMD2 (LEM domain nuclear envelope protein 2; minus strand). Cytogenetic location: 6p21.31.
Variant type: single nucleotide variant.
Coding change: c.508G>A on transcript NM_181336.4 (MANE Select); coding-DNA position 508, G replaced by A.
Protein change: p.Ala170Thr; replaces alanine 170 with threonine.
Molecular consequence: missense variant. On other transcripts: intron variant (2).
Genome position (GRCh38, 1-based): chr6:33,788,609, C>T on the plus strand (G>A on the coding strand, the complement: LEMD2 is on the minus strand). VCF-style: chr6-33788609-C-T. GRCh37 (hg19) VCF-style: chr6-33756386-C-T.
Other names: c.-171+166G>A (NM_001348709.2); c.342+166G>A (NM_001348710.2); short protein forms A170T.
Identifiers: ClinVar variation 2656503 (VCV002656503.24), dbSNP rs2533383823, ClinGen allele CA363696664.
Genomic context (GRCh38, chr6:33,788,609, plus strand): 5'-CTCGAGTCGCCCGCAGGCCCGGGCGCGGGTCGGGACCGAGGAGGGAGGAAGGCAGCCGCG[C>T]CGGGGCGGGAGACGCTGCCCACCAGCGGCGGGCCGCGAGACCCGGGCCCTGCGTGGCCCT-3'
Protein context (NP_851853.1, residues 160-180): RRWWAASPAP[Ala170Thr]RLPSSLLGPD